The following is an entry in ClinVar:

NM_178452.6(DNAAF1):c.765C>T (p.Asn255=)

Gene: DNAAF1 (dynein axonemal assembly factor 1; plus strand). Cytogenetic location: 16q24.1.
Variant type: single nucleotide variant.
Coding change: c.765C>T on transcript NM_178452.6 (MANE Select); coding-DNA position 765, C replaced by T.
Protein change: p.Asn255=; no amino-acid change (asparagine 255 retained).
Molecular consequence: synonymous variant.
Genome position (GRCh38, 1-based): chr16:84,159,698, C>T. VCF-style: chr16-84159698-C-T. GRCh37 (hg19) VCF-style: chr16-84193303-C-T.
Other names: c.9C>T, p.Asn3= (NM_001318756.1).
Identifiers: ClinVar variation 2421177 (VCV002421177.16), dbSNP rs373103805, ClinGen allele CA496766641.

ClinVar aggregate classification (germline): Conflicting classifications of pathogenicity. Review status: criteria provided, conflicting classifications (1 of 4 stars). 2 submissions from 2 submitters: Uncertain significance (1); Likely benign (1). Last evaluated 2026-04-26.

Conditions:
Primary ciliary dyskinesia. Also called: Ciliary dyskinesia. Identifiers: Orphanet 244, MedGen C0008780, MONDO:0016575, HP:0012265.

gnomAD v4.1: 9 of 1,613,454 alleles (0.00056%); highest among the groups gnomAD compares: Admixed American, 0.0067%; no homozygotes.

Submissions (2):

Dasa
Classification: Uncertain significance. Last evaluated: 2026-04-26. Review status: criteria provided, single submitter. Criteria: DASA Assertion Criteria. Collection method: clinical testing. Allele origin: germline.
Comment: NM_178452.6(DNAAF1):c.765C>T (p.Asn255=) is a synonymous variant predicted not to alter the encoded amino acid sequence. This variant has been observed in affected individuals with DNAAF1-related disorders. Also, this variant is rare in population databases. The currently available literature and clinical evidence are not sufficient to establish a definitive association between this variant and the reported condition. Therefore, this variant is classified as a variant of uncertain significance.

Labcorp Genetics (formerly Invitae), Labcorp
Classification: Likely benign for Primary ciliary dyskinesia. Last evaluated: 2022-07-08. Review status: criteria provided, single submitter. Criteria: Invitae Variant Classification Sherloc (09022015). Collection method: clinical testing. Allele origin: germline.